The following is an entry in ClinVar:

NM_032271.3(TRAF7):c.651C>G (p.Ser217Arg)

Gene: TRAF7 (TNF receptor associated factor 7; plus strand). Cytogenetic location: 16p13.3.
Variant type: single nucleotide variant.
Coding change: c.651C>G on transcript NM_032271.3 (MANE Select); coding-DNA position 651, C replaced by G.
Protein change: p.Ser217Arg; replaces serine 217 with arginine.
Molecular consequence: missense variant.
Genome position (GRCh38, 1-based): chr16:2,172,366, C>G. VCF-style: chr16-2172366-C-G. GRCh37 (hg19) VCF-style: chr16-2222367-C-G.
Other names: short protein forms S217R.
Identifiers: ClinVar variation 1700527 (VCV001700527.2), dbSNP rs749350622, ClinGen allele CA394321548.
Genomic context (GRCh38, chr16:2,172,366, plus strand): 5'-CGGGAAGCCCCCCATCTTTGAGGTGGACCCCCGAGGGTGCCCCTTCACCATCAAGCTCAG[C>G]GCCCGGAAGTAAGTGCCCCTCCCTGGGCACCTCTGCCTCCCTGGGGGCTGCTTCTCAGGG-3'
Protein context (NP_115647.2, residues 207-227): PRGCPFTIKL[Ser217Arg]ARKDHEGSCD

ClinVar aggregate classification (germline): Uncertain significance (1 of 4 stars; one submission).

Submission:

GeneDx
Classification: Uncertain significance. Last evaluated: 2022-01-18. Review status: criteria provided, single submitter. Criteria: GeneDx Variant Classification Process June 2021. Collection method: clinical testing. Allele origin: germline. Affected: yes.
Comment: Not observed at significant frequency in large population cohorts (gnomAD); In silico analysis supports that this missense variant does not alter protein structure/function; Has not been previously published as pathogenic or benign to our knowledge